The following is an entry in ClinVar:

ClinVar aggregate classification (germline): Likely benign (1 of 4 stars; one submission).

Conditions:
Multiple endocrine neoplasia, type 1 (MEN1). Also called: MEN I; WERMER SYNDROME; Endocrine adenomatosis multiple; MEN 1; MEA I. Identifiers: Orphanet 652, MedGen C0025267, MeSH D018761, MONDO:0007540, OMIM 131100.

Submission:

Myriad Genetics, Inc.
Classification: Likely benign for Multiple endocrine neoplasia, type 1. Last evaluated: 2024-11-01. Review status: criteria provided, single submitter. Criteria: Myriad Autosomal Dominant, Autosomal Recessive and X-Linked Classification Criteria (2023). Collection method: clinical testing. Allele origin: unknown.
Comment: This variant is considered likely benign. This variant is intronic and is not expected to impact mRNA splicing.

NM_001370259.2(MEN1):c.783+10G>A

Gene: MEN1 (menin 1; minus strand). Cytogenetic location: 11q13.1.
Variant type: single nucleotide variant.
Coding change: c.783+10G>A on transcript NM_001370259.2 (MANE Select); 10 bases into the intron after coding-DNA position 783, G replaced by A.
Molecular consequence: intron variant.
Genome position (GRCh38, 1-based): chr11:64,807,542, C>T on the plus strand (G>A on the coding strand, the complement: MEN1 is on the minus strand). VCF-style: chr11-64807542-C-T. GRCh37 (hg19) VCF-style: chr11-64575014-C-T.
Other names: c.798+10G>A (NM_130804.3, NM_130803.3, NM_000244.4 and 5 more transcripts); c.678+10G>A (NM_001407148.1, NM_001407149.1, NM_001407151.1 and 2 more transcripts); c.783+10G>A (NM_130799.3, NM_001407144.1, NM_001370260.2 and 7 more transcripts).
Identifiers: ClinVar variation 3773190 (VCV003773190.1).